The following is an entry in ClinVar:

ClinVar aggregate classification (germline): Uncertain significance (1 of 4 stars; one submission).

Allele frequency attached by ClinVar (database versions not stated): ExAC 0.00001; TOPMed 0.00001; ESP Exome Variant Server 0.00008.
gnomAD v4.1: 1 of 1,612,852 alleles (0.000062%); highest among the groups gnomAD compares: African/African-American, 0.0013%; no homozygotes.

Submission:

Labcorp Genetics (formerly Invitae), Labcorp
Classification: Uncertain significance. Last evaluated: 2022-08-01. Review status: criteria provided, single submitter. Criteria: Invitae Variant Classification Sherloc (09022015). Collection method: clinical testing. Allele origin: germline.
Comment: This sequence change replaces serine, which is neutral and polar, with cysteine, which is neutral and slightly polar, at codon 746 of the IARS2 protein (p.Ser746Cys). This variant is present in population databases (rs369797279, gnomAD 0.01%). This variant has not been reported in the literature in individuals affected with IARS2-related conditions. Algorithms developed to predict the effect of missense changes on protein structure and function (SIFT, PolyPhen-2, Align-GVGD) all suggest that this variant is likely to be tolerated. In summary, the available evidence is currently insufficient to determine the role of this variant in disease. Therefore, it has been classified as a Variant of Uncertain Significance.

NM_018060.4(IARS2):c.2237C>G (p.Ser746Cys)

Gene: IARS2 (isoleucyl-tRNA synthetase 2, mitochondrial; plus strand). Cytogenetic location: 1q41.
Variant type: single nucleotide variant.
Coding change: c.2237C>G on transcript NM_018060.4 (MANE Select); coding-DNA position 2237, C replaced by G.
Protein change: p.Ser746Cys; replaces serine 746 with cysteine.
Molecular consequence: missense variant.
Genome position (GRCh38, 1-based): chr1:220,139,069, C>G. VCF-style: chr1-220139069-C-G. GRCh37 (hg19) VCF-style: chr1-220312411-C-G.
Other names: short protein forms S746C.
Identifiers: ClinVar variation 2192020 (VCV002192020.4), dbSNP rs369797279, ClinGen allele CA1401718.
Genomic context (GRCh38, chr1:220,139,069, plus strand): 5'-TTAGGAATACACTTCGCTTTCTTTTGGGAAATGTGGCTGATTTCAACCCAGAAACAGATT[C>G]CATCCCTGTAAACGATATGTATGTCATAGACCAGTACATGCTACACTTACTGCAGGATTT-3'
Protein context (NP_060530.3, residues 736-756): NVADFNPETD[Ser746Cys]IPVNDMYVID